The following is an entry in ClinVar:

NM_001243925.2(MAPKAPK3):c.68G>A (p.Gly23Asp)

Gene: MAPKAPK3 (MAPK activated protein kinase 3; plus strand). Cytogenetic location: 3p21.2.
Variant type: single nucleotide variant.
Coding change: c.68G>A on transcript NM_001243925.2 (MANE Select); coding-DNA position 68, G replaced by A.
Protein change: p.Gly23Asp; replaces glycine 23 with aspartic acid.
Molecular consequence: missense variant.
Genome position (GRCh38, 1-based): chr3:50,617,633, G>A. VCF-style: chr3-50617633-G-A. GRCh37 (hg19) VCF-style: chr3-50655064-G-A.
Other names: c.68G>A, p.Gly23Asp (NM_001243926.2, NM_004635.5); short protein forms G23D.
Identifiers: ClinVar variation 2115770 (VCV002115770.4), dbSNP rs2032504182, ClinGen allele CA352961406.

ClinVar aggregate classification (germline): Uncertain significance (1 of 4 stars; one submission).

Allele frequency attached by ClinVar (database versions not stated): gnomAD exomes below 0.00001.
gnomAD v4.1: 1 of 1,608,900 alleles (0.000062%); highest among the groups gnomAD compares: Non-Finnish European, 0.000085%; no homozygotes.

Submission:

Labcorp Genetics (formerly Invitae), Labcorp
Classification: Uncertain significance. Last evaluated: 2022-03-22. Review status: criteria provided, single submitter. Criteria: Invitae Variant Classification Sherloc (09022015). Collection method: clinical testing. Allele origin: germline.
Comment: In summary, the available evidence is currently insufficient to determine the role of this variant in disease. Therefore, it has been classified as a Variant of Uncertain Significance. Algorithms developed to predict the effect of missense changes on protein structure and function (SIFT, PolyPhen-2, Align-GVGD) all suggest that this variant is likely to be tolerated. This variant has not been reported in the literature in individuals affected with MAPKAPK3-related conditions. This variant is not present in population databases (gnomAD no frequency). This sequence change replaces glycine, which is neutral and non-polar, with aspartic acid, which is acidic and polar, at codon 23 of the MAPKAPK3 protein (p.Gly23Asp).